The following is an entry in ClinVar:

ClinVar aggregate classification (germline): Uncertain significance (1 of 4 stars; one submission).

Conditions:
Arrhythmogenic right ventricular dysplasia 11. Also called: ARRHYTHMOGENIC RIGHT VENTRICULAR DYSPLASIA, FAMILIAL, 11; Arrhythmogenic Right Ventricular Dysplasia/Cardiomyopathy11; Arrhythmogenic right ventricular dysplasia 11 with mild palmoplantar keratoderma and woolly hair. Identifiers: MedGen C1864850, MONDO:0012506, OMIM 610476.

Submission:

Labcorp Genetics (formerly Invitae), Labcorp
Classification: Uncertain significance for Arrhythmogenic right ventricular dysplasia 11. Last evaluated: 2023-05-02. Review status: criteria provided, single submitter. Criteria: Invitae Variant Classification Sherloc (09022015). Collection method: clinical testing. Allele origin: germline.
Comment: Advanced modeling of protein sequence and biophysical properties (such as structural, functional, and spatial information, amino acid conservation, physicochemical variation, residue mobility, and thermodynamic stability) has been performed at Invitae for this missense variant, however the output from this modeling did not meet the statistical confidence thresholds required to predict the impact of this variant on DSC2 protein function. In summary, the available evidence is currently insufficient to determine the role of this variant in disease. Therefore, it has been classified as a Variant of Uncertain Significance. This variant has not been reported in the literature in individuals affected with DSC2-related conditions. This variant is not present in population databases (gnomAD no frequency). This sequence change replaces serine, which is neutral and polar, with proline, which is neutral and non-polar, at codon 283 of the DSC2 protein (p.Ser283Pro).

NM_024422.6(DSC2):c.847T>C (p.Ser283Pro)

Gene: DSC2 (desmocollin 2; minus strand). Cytogenetic location: 18q12.1.
Variant type: single nucleotide variant.
Coding change: c.847T>C on transcript NM_024422.6 (MANE Select); coding-DNA position 847, T replaced by C.
Protein change: p.Ser283Pro; replaces serine 283 with proline.
Molecular consequence: missense variant.
Genome position (GRCh38, 1-based): chr18:31,086,671, A>G on the plus strand (T>C on the coding strand, the complement: DSC2 is on the minus strand). VCF-style: chr18-31086671-A-G. GRCh37 (hg19) VCF-style: chr18-28666634-A-G.
Other names: c.418T>C, p.Ser140Pro (NM_001406506.1, NM_001406507.1); c.847T>C, p.Ser283Pro (NM_004949.5); short protein forms S283P, S140P.
Identifiers: ClinVar variation 2861747 (VCV002861747.3), dbSNP rs2510951286, ClinGen allele CA402112160.